The following is an entry in ClinVar:

ClinVar aggregate classification (germline): Uncertain significance (1 of 4 stars; one submission).

Conditions:
Epidermolysis bullosa simplex with nail dystrophy (EBS5D). Identifiers: MedGen C4225309, MONDO:0014661, OMIM 616487.
Epidermolysis bullosa simplex, Ogna type (EBS5A). Also called: EPIDERMOLYSIS BULLOSA SIMPLEX 5A, OGNA TYPE; Pidermolysis bullosa simplex 5A, Ogna type. Identifiers: Orphanet 79401, MedGen C0432317, MONDO:0007555, OMIM 131950.
Autosomal recessive limb-girdle muscular dystrophy type 2Q (LGMDR17). Also called: MUSCULAR DYSTROPHY, LIMB-GIRDLE, AUTOSOMAL RECESSIVE 17. Identifiers: Orphanet 254361, MedGen C3150989, MONDO:0013390, OMIM 613723.
Epidermolysis bullosa simplex 5B, with muscular dystrophy (EBS5B). Also called: EPIDERMOLYSIS BULLOSA SIMPLEX AND LIMB-GIRDLE MUSCULAR DYSTROPHY; Epidermolysis bullosa simplex with muscular dystrophy. Identifiers: Orphanet 257, MedGen C2931072, MONDO:0009181, OMIM 226670.
Epidermolysis bullosa simplex 5C, with pyloric atresia (EBS5C). Also called: PLEC1-Related Epidermolysis Bullosa with Pyloric Atresia; PLEC-Related Epidermolysis Bullosa with Pyloric Atresia; Epidermolysis bullosa simplex with pyloric atresia. Identifiers: Orphanet 158684, MedGen C2677349, MONDO:0012807, OMIM 612138.

gnomAD v4.1: 4 of 1,603,712 alleles (0.00025%); highest among the groups gnomAD compares: Non-Finnish European, 0.00034%; no homozygotes.

Submission:

Labcorp Genetics (formerly Invitae), Labcorp
Classification: Uncertain significance for Autosomal recessive limb-girdle muscular dystrophy type 2Q; Epidermolysis bullosa simplex, Ogna type; Epidermolysis bullosa simplex with nail dystrophy; Epidermolysis bullosa simplex 5C, with pyloric atresia; Epidermolysis bullosa simplex 5B, with muscular dystrophy. Last evaluated: 2024-05-25. Review status: criteria provided, single submitter. Criteria: Invitae Variant Classification Sherloc (09022015). Collection method: clinical testing. Allele origin: germline.
Comment: This sequence change replaces methionine, which is neutral and non-polar, with valine, which is neutral and non-polar, at codon 3402 of the PLEC protein (p.Met3402Val). This variant is present in population databases (rs782590937, gnomAD 0.002%). This variant has not been reported in the literature in individuals affected with PLEC-related conditions. Advanced modeling of protein sequence and biophysical properties (such as structural, functional, and spatial information, amino acid conservation, physicochemical variation, residue mobility, and thermodynamic stability) performed at Invitae indicates that this missense variant is expected to disrupt PLEC protein function with a positive predictive value of 80%. In summary, the available evidence is currently insufficient to determine the role of this variant in disease. Therefore, it has been classified as a Variant of Uncertain Significance.

NM_201384.3(PLEC):c.10123A>G (p.Met3375Val)

Gene: PLEC (plectin; minus strand). Cytogenetic location: 8q24.3.
Variant type: single nucleotide variant.
Coding change: c.10123A>G on transcript NM_201384.3 (MANE Select); coding-DNA position 10123, A replaced by G.
Protein change: p.Met3375Val; replaces methionine 3375 with valine.
Molecular consequence: missense variant.
Genome position (GRCh38, 1-based): chr8:143,919,698, T>C on the plus strand (A>G on the coding strand, the complement: PLEC is on the minus strand). VCF-style: chr8-143919698-T-C. GRCh37 (hg19) VCF-style: chr8-144993866-T-C.
Other names: c.10204A>G, p.Met3402Val (NM_000445.5); c.6823A>G, p.Met2275Val (NM_001410941.1); c.10081A>G, p.Met3361Val (NM_201378.4); c.10057A>G, p.Met3353Val (NM_201379.3); c.10534A>G, p.Met3512Val (NM_201380.4); c.10027A>G, p.Met3343Val (NM_201381.3); c.10123A>G, p.Met3375Val (NM_201382.4); c.10135A>G, p.Met3379Val (NM_201383.3); short protein forms M2275V, M3343V, M3353V, M3361V, M3375V, M3379V, M3402V, M3512V.
Identifiers: ClinVar variation 3760920 (VCV003760920.2).